The following is an entry in ClinVar:

ClinVar aggregate classification (germline): Uncertain significance (1 of 4 stars; one submission).

Submission:

Women's Health and Genetics/Laboratory Corporation of America, LabCorp
Classification: Uncertain significance. Last evaluated: 2019-09-13. Review status: criteria provided, single submitter. Criteria: LabCorp Variant Classification Summary - May 2015. Collection method: clinical testing. Allele origin: germline.
Comment: Variant summary: SMN1 c.*4G>A is located in the untranslated mRNA region downstream of the termination codon. 5/5 computational tools predict no significant impact on normal splicing. However, these predictions have yet to be confirmed by functional studies. The variant was absent in 65422 control chromosomes (gnomAD). The available data on variant occurrences in the general population are insufficient to allow any conclusion about variant significance. To our knowledge, no occurrence of c.*4G>A in individuals affected with Spinal Muscular Atrophy and no experimental evidence demonstrating its impact on protein function have been reported. No clinical diagnostic laboratories have submitted clinical-significance assessments for this variant to ClinVar after 2014. Based on the evidence outlined above, the variant was classified as uncertain significance.

NM_000344.4(SMN1):c.*4G>A

Gene: SMN1 (survival of motor neuron 1, telomeric). Cytogenetic location: 5q13.2.
Variant type: single nucleotide variant.
Coding change: c.*4G>A on transcript NM_000344.4 (MANE Select); 4 bases downstream of the stop codon, G replaced by A.
Molecular consequence: 3 prime UTR variant. On other transcripts: missense variant (1).
Genome position (GRCh38, 1-based): chr5:70,952,439, G>A. VCF-style: chr5-70952439-G-A. GRCh37 (hg19) VCF-style: chr5-70248266-G-A.
Other names: c.835G>A, p.Glu279Lys (NM_001297715.1); c.*4G>A (NM_022874.2); short protein forms E279K.
Identifiers: ClinVar variation 928624 (VCV000928624.1), dbSNP rs1749796463, ClinGen allele CA360098607.